The following is an entry in ClinVar:

ClinVar aggregate classification (germline): Likely benign (0 of 4 stars; one submission).

Conditions:
TRAPPC2L-related disorder. Also called: TRAPPC2L-related condition.

Allele frequency attached by ClinVar (database versions not stated): gnomAD exomes 0.00006; ExAC 0.00026; TOPMed 0.00057; gnomAD 0.00061; ESP Exome Variant Server 0.00062.
gnomAD v4.1: 210 of 1,586,462 alleles (0.013%); highest among the groups gnomAD compares: African/African-American, 0.21%; 1 homozygote.

Submission:

PreventionGenetics, part of Exact Sciences
Classification: Likely benign for TRAPPC2L-related condition. Last evaluated: 2022-04-18. Review status: no assertion criteria provided. Collection method: clinical testing. Allele origin: germline.
Comment: This variant is classified as likely benign based on ACMG/AMP sequence variant interpretation guidelines (Richards et al. 2015 PMID: 25741868, with internal and published modifications).

NM_001318525.2(TRAPPC2L):c.375-16C>T

Gene: TRAPPC2L (trafficking protein particle complex subunit 2L; plus strand). Cytogenetic location: 16q24.3.
Variant type: single nucleotide variant.
Coding change: c.375-16C>T on transcript NM_001318525.2 (MANE Select); 16 bases into the intron before coding-DNA position 375, C replaced by T.
Molecular consequence: intron variant. On other transcripts: missense variant (2).
Genome position (GRCh38, 1-based): chr16:88,860,898, C>T. VCF-style: chr16-88860898-C-T. GRCh37 (hg19) VCF-style: chr16-88927306-C-T.
Other names: c.380C>T, p.Ser127Phe (NM_001318524.2); c.287C>T, p.Ser96Phe (NM_001318527.2); c.375-13C>T (NM_016209.5); c.282-13C>T (NM_001318529.2); c.282-16C>T (NM_001318532.2); c.285-13C>T (NM_001318528.2); c.285-16C>T (NM_001318530.2); c.345-16C>T (NM_001318526.2); short protein forms S127F, S96F.
Identifiers: ClinVar variation 3038544 (VCV003038544.2), dbSNP rs112109570, ClinGen allele CA8235794.
Genomic context (GRCh38, chr16:88,860,898, plus strand): 5'-ATGCTGCCCGGCCCGTCTCTGAGCAGAGGGGTGGAGGGCCTGGCTCTCCTCTGAGTGGGT[C>T]TGTTTCTCTTAGCAGGGCCTTTGATAACATGGTGACGTCGATGATGATACAGGTGTGCTG-3'